The following is an entry in ClinVar:

ClinVar aggregate classification (germline): Uncertain significance (1 of 4 stars; one submission).

gnomAD v4.1: 32 of 1,613,960 alleles (0.002%); highest among the groups gnomAD compares: South Asian, 0.0055%; no homozygotes.

Submission:

Labcorp Genetics (formerly Invitae), Labcorp
Classification: Uncertain significance. Last evaluated: 2024-10-24. Review status: criteria provided, single submitter. Criteria: Invitae Variant Classification Sherloc (09022015). Collection method: clinical testing. Allele origin: germline.
Comment: This sequence change replaces lysine, which is basic and polar, with arginine, which is basic and polar, at codon 23 of the MRPL44 protein (p.Lys23Arg). This variant is present in population databases (rs760943515, gnomAD 0.003%). This variant has not been reported in the literature in individuals affected with MRPL44-related conditions. An algorithm developed to predict the effect of missense changes on protein structure and function (PolyPhen-2) suggests that this variant is likely to be tolerated. In summary, the available evidence is currently insufficient to determine the role of this variant in disease. Therefore, it has been classified as a Variant of Uncertain Significance.

NM_022915.5(MRPL44):c.68A>G (p.Lys23Arg)

Genes: MRPL44 (mitochondrial ribosomal protein L44; plus strand), LOC129935704 (ATAC-STARR-seq lymphoblastoid active region 17184; plus strand). Cytogenetic location: 2q36.1.
Variant type: single nucleotide variant.
Coding change: c.68A>G on transcript NM_022915.5 (MANE Select); coding-DNA position 68, A replaced by G.
Protein change: p.Lys23Arg; replaces lysine 23 with arginine.
Molecular consequence: missense variant.
Genome position (GRCh38, 1-based): chr2:223,957,540, A>G. VCF-style: chr2-223957540-A-G. GRCh37 (hg19) VCF-style: chr2-224822257-A-G.
Other names: short protein forms K23R.
Identifiers: ClinVar variation 3618419 (VCV003618419.2).